The following is an entry in ClinVar:

NM_000535.7(PMS2):c.1164T>C (p.His388=)

Gene: PMS2 (PMS1 homolog 2, mismatch repair system component; minus strand). Cytogenetic location: 7p22.1.
Variant type: single nucleotide variant.
Coding change: c.1164T>C on transcript NM_000535.7 (MANE Select); coding-DNA position 1164, T replaced by C.
Protein change: p.His388=; no amino-acid change (histidine 388 retained).
Molecular consequence: synonymous variant. On other transcripts: non-coding transcript variant (1).
Genome position (GRCh38, 1-based): chr7:5,987,601, A>G on the plus strand (T>C on the coding strand, the complement: PMS2 is on the minus strand). VCF-style: chr7-5987601-A-G. GRCh37 (hg19) VCF-style: chr7-6027232-A-G.
Other names: c.231T>C, p.His77= (NM_001322012.2, NM_001322011.2); c.591T>C, p.His197= (NM_001322013.2); c.1164T>C, p.His388= (NM_001322014.2); c.855T>C, p.His285= (NM_001322015.2); c.759T>C, p.His253= (NM_001322003.2, NM_001322004.2, NM_001322005.2 and 1 more transcripts); c.1008T>C, p.His336= (NM_001322006.2); c.846T>C, p.His282= (NM_001322007.2, NM_001322008.2); c.603T>C, p.His201= (NM_001322010.2).
Identifiers: ClinVar variation 822262 (VCV000822262.14), dbSNP rs768480216, ClinGen allele CA453643807.
Genomic context (GRCh38, chr7:5,987,601, plus strand): 5'-AGTCCTTAATGAAGGGGATTGATCCTGCTTTTCTACCATGGGCTTTTCCAAATCCGCTGC[A>G]TGCATTTTTATTAAGTTACCTAAGCAAACGTGGACGGAGAAGAGGGTCAGGGACTATCCT-3'
Protein context (NP_000526.2, residues 378-398): LDVEGNLIKM[His388=]AADLEKPMVE

ClinVar aggregate classification (germline): Benign/Likely benign. Review status: criteria provided, multiple submitters, no conflicts (2 of 4 stars). 3 submissions from 3 submitters: Benign (1); Likely benign (2). Last evaluated 2025-01-30.

Conditions:
Hereditary nonpolyposis colorectal neoplasms. Identifiers: MedGen C0009405, MeSH D003123.
Lynch syndrome 4 (LYNCH4). Also called: Colorectal cancer, hereditary nonpolyposis, type 4; Hereditary non-polyposis colorectal cancer, type 4. Identifiers: Orphanet 144, MedGen C1838333, MONDO:0013699, OMIM 614337. Disease mechanism: loss of function.
Hereditary cancer-predisposing syndrome. Also called: Tumor predisposition; Hereditary Cancer Syndrome; Neoplastic Syndromes, Hereditary; Hereditary neoplastic syndrome. Identifiers: Orphanet 140162, MedGen C0027672, MeSH D009386, MONDO:0015356.

gnomAD v4.1: 1 of 1,602,980 alleles (0.000062%); highest among the groups gnomAD compares: Non-Finnish European, 0.000085%; no homozygotes.

Submissions (3):

Myriad Genetics, Inc.
Classification: Benign for Lynch syndrome 4. Last evaluated: 2025-01-30. Review status: criteria provided, single submitter. Criteria: Myriad Autosomal Dominant, Autosomal Recessive and X-Linked Classification Criteria (2023). Collection method: clinical testing. Allele origin: unknown.
Comment: This variant is considered benign. This variant is a silent/synonymous amino acid change and it is not expected to impact splicing.

Labcorp Genetics (formerly Invitae), Labcorp
Classification: Likely benign for Hereditary nonpolyposis colorectal neoplasms. Last evaluated: 2024-05-16. Review status: criteria provided, single submitter. Criteria: Invitae Variant Classification Sherloc (09022015). Collection method: clinical testing. Allele origin: germline.

Ambry Genetics
Classification: Likely benign for Hereditary cancer-predisposing syndrome. Last evaluated: 2019-11-19. Review status: criteria provided, single submitter. Criteria: Ambry Variant Classification Scheme 2023. Collection method: clinical testing. Allele origin: germline.